The following is an entry in ClinVar:

NC_000008.11:g.100383254T>A

Gene: VPS13B (vacuolar protein sorting 13 homolog B; plus strand). Cytogenetic location: 8q22.2.
Variant type: single nucleotide variant.
Genome position: GRCh38 VCF-style: chr8-100383254-T-A. GRCh37 (hg19) VCF-style: chr8-101395482-T-A.
Identifiers: ClinVar variation 4998600 (VCV004998600.1).

ClinVar aggregate classification (germline): Likely benign (1 of 4 stars; one submission).

Conditions:
VPS13B-related disorder. Also called: VPS13B-related condition.

Submission:

PreventionGenetics, part of Exact Sciences
Classification: Likely benign for VPS13B-related condition. Last evaluated: 2025-07-31. Review status: criteria provided, single submitter. Criteria: ACMG Guidelines, 2015. Collection method: clinical testing. Allele origin: germline.
Comment: This variant is classified as likely benign based on ACMG/AMP sequence variant interpretation guidelines (Richards et al. 2015 PMID: 25741868, with internal and published modifications).